The following is an entry in ClinVar:

ClinVar aggregate classification (germline): Likely benign (1 of 4 stars; one submission).

Conditions:
Familial hypercholesterolemia. Also called: Familial hypercholesterolaemia. Identifiers: MedGen C0020445, MONDO:0005439.

Submission:

GENinCode PLC
Classification: Likely benign for Familial hypercholesterolemia. Last evaluated: 2024-05-29. Review status: criteria provided, single submitter. Criteria: ACMG Guidelines, 2015. Collection method: clinical testing. Allele origin: germline.
Comment: This is a synonymous (silent) variant that is not predicted by SpliceAI to impact splicing. In addition, it occurs at a nucleotide that is not conserved. Therefore this variant has been classified as Likely Benign (BP4, BP7).

NM_000384.3(APOB):c.7344G>A (p.Gln2448=)

Gene: APOB (apolipoprotein B; minus strand). Cytogenetic location: 2p24.1.
Variant type: single nucleotide variant.
Coding change: c.7344G>A on transcript NM_000384.3 (MANE Select); coding-DNA position 7344, G replaced by A.
Protein change: p.Gln2448=; no amino-acid change (glutamine 2448 retained).
Molecular consequence: synonymous variant.
Genome position (GRCh38, 1-based): chr2:21,009,524, C>T on the plus strand (G>A on the coding strand, the complement: APOB is on the minus strand). VCF-style: chr2-21009524-C-T. GRCh37 (hg19) VCF-style: chr2-21232396-C-T.
Identifiers: ClinVar variation 3393007 (VCV003393007.1).